The following is an entry in ClinVar:

NM_139057.4(ADAMTS17):c.2461C>T (p.Arg821Cys)

Gene: ADAMTS17 (ADAM metallopeptidase with thrombospondin type 1 motif 17; minus strand). Cytogenetic location: 15q26.3.
Variant type: single nucleotide variant.
Coding change: c.2461C>T on transcript NM_139057.4 (MANE Select); coding-DNA position 2461, C replaced by T.
Protein change: p.Arg821Cys; replaces arginine 821 with cysteine.
Molecular consequence: missense variant.
Genome position (GRCh38, 1-based): chr15:100,048,987, G>A on the plus strand (C>T on the coding strand, the complement: ADAMTS17 is on the minus strand). VCF-style: chr15-100048987-G-A. GRCh37 (hg19) VCF-style: chr15-100589192-G-A.
Other names: c.2461C>T (NM_139057.2); short protein forms R821C.
Identifiers: ClinVar variation 3718847 (VCV003718847.3).

ClinVar aggregate classification (germline): Uncertain significance. Review status: criteria provided, multiple submitters, no conflicts (2 of 4 stars). 2 submissions from 2 submitters: Uncertain significance (2). Last evaluated 2025-01-29.

Conditions:
Inborn genetic diseases. Identifiers: MedGen C0950123, MeSH D030342.

gnomAD v4.1: 23 of 1,614,040 alleles (0.0014%); highest among the groups gnomAD compares: African/African-American, 0.008%; no homozygotes.

Submissions (2):

Ambry Genetics
Classification: Uncertain significance for Inborn genetic diseases. Last evaluated: 2025-01-29. Review status: criteria provided, single submitter. Criteria: Ambry Variant Classification Scheme 2023. Collection method: clinical testing. Allele origin: germline.

Labcorp Genetics (formerly Invitae), Labcorp
Classification: Uncertain significance. Last evaluated: 2024-09-05. Review status: criteria provided, single submitter. Criteria: Invitae Variant Classification Sherloc (09022015). Collection method: clinical testing. Allele origin: germline.
Comment: This sequence change replaces arginine, which is basic and polar, with cysteine, which is neutral and slightly polar, at codon 821 of the ADAMTS17 protein (p.Arg821Cys). This variant is present in population databases (rs763899028, gnomAD 0.007%). This variant has not been reported in the literature in individuals affected with ADAMTS17-related conditions. An algorithm developed to predict the effect of missense changes on protein structure and function (PolyPhen-2) suggests that this variant is likely to be disruptive. In summary, the available evidence is currently insufficient to determine the role of this variant in disease. Therefore, it has been classified as a Variant of Uncertain Significance.